The following is an entry in ClinVar:

ClinVar aggregate classification (germline): Uncertain significance (1 of 4 stars; one submission).

Submission:

Labcorp Genetics (formerly Invitae), Labcorp
Classification: Uncertain significance. Last evaluated: 2022-05-14. Review status: criteria provided, single submitter. Criteria: Invitae Variant Classification Sherloc (09022015). Collection method: clinical testing. Allele origin: germline.
Comment: In summary, the available evidence is currently insufficient to determine the role of this variant in disease. Therefore, it has been classified as a Variant of Uncertain Significance. Algorithms developed to predict the effect of missense changes on protein structure and function (SIFT, PolyPhen-2, Align-GVGD) all suggest that this variant is likely to be tolerated. This variant has not been reported in the literature in individuals affected with TMEM126A-related conditions. This variant is not present in population databases (gnomAD no frequency). This sequence change replaces asparagine, which is neutral and polar, with lysine, which is basic and polar, at codon 30 of the TMEM126A protein (p.Asn30Lys).

NM_032273.4(TMEM126A):c.90T>A (p.Asn30Lys)

Gene: TMEM126A (transmembrane protein 126A; plus strand). Cytogenetic location: 11q14.1.
Variant type: single nucleotide variant.
Coding change: c.90T>A on transcript NM_032273.4 (MANE Select); coding-DNA position 90, T replaced by A.
Protein change: p.Asn30Lys; replaces asparagine 30 with lysine.
Molecular consequence: missense variant. On other transcripts: 5 prime UTR variant (1).
Genome position (GRCh38, 1-based): chr11:85,654,066, T>A. VCF-style: chr11-85654066-T-A. GRCh37 (hg19) VCF-style: chr11-85365110-T-A.
Other names: c.-121T>A (NM_001244735.2); short protein forms N30K.
Identifiers: ClinVar variation 1994507 (VCV001994507.4), dbSNP rs2547851175, ClinGen allele CA381995734.